The following is an entry in ClinVar:

NM_198880.3(QRICH1):c.1726C>T (p.Arg576Trp)

Gene: QRICH1 (glutamine rich 1; minus strand). Cytogenetic location: 3p21.31.
Variant type: single nucleotide variant.
Coding change: c.1726C>T on transcript NM_198880.3 (MANE Select); coding-DNA position 1726, C replaced by T.
Protein change: p.Arg576Trp; replaces arginine 576 with tryptophan.
Molecular consequence: missense variant.
Genome position (GRCh38, 1-based): chr3:49,044,450, G>A on the plus strand (C>T on the coding strand, the complement: QRICH1 is on the minus strand). VCF-style: chr3-49044450-G-A. GRCh37 (hg19) VCF-style: chr3-49081883-G-A.
Other names: c.1726C>T, p.Arg576Trp (NM_001320580.2, NM_001320581.2, NM_001320582.2 and 4 more transcripts); c.1726C>T (NM_017730.3); short protein forms R576W.
Identifiers: ClinVar variation 3150336 (VCV003150336.2), dbSNP rs1183222372, ClinGen allele CA352757747.

ClinVar aggregate classification (germline): Uncertain significance. Review status: criteria provided, multiple submitters, no conflicts (2 of 4 stars). 2 submissions from 2 submitters: Uncertain significance (2). Last evaluated 2024-11-04.

Conditions:
Inborn genetic diseases. Identifiers: MedGen C0950123, MeSH D030342.

Allele frequency attached by ClinVar (database versions not stated): TOPMed below 0.00001.

Submissions (2):

Greenwood Genetic Center Diagnostic Laboratories, Greenwood Genetic Center
Classification: Uncertain significance. Last evaluated: 2024-11-04. Review status: criteria provided, single submitter. Criteria: ACMG Guidelines, 2015. Collection method: clinical testing. Allele origin: germline. Affected: yes.
Comment: PM2, PP2

Ambry Genetics
Classification: Uncertain significance for Inborn genetic diseases. Last evaluated: 2023-12-14. Review status: criteria provided, single submitter. Criteria: Ambry Variant Classification Scheme 2023. Collection method: clinical testing. Allele origin: germline.
Comment: The c.1726C>T (p.R576W) alteration is located in exon 7 (coding exon 5) of the QRICH1 gene. This alteration results from a C to T substitution at nucleotide position 1726, causing the arginine (R) at amino acid position 576 to be replaced by a tryptophan (W). This variant was not reported in population-based cohorts in the Genome Aggregation Database (gnomAD). This amino acid position is highly conserved in available vertebrate species. This alteration is predicted to be deleterious by in silico analysis. Based on insufficient or conflicting evidence, the clinical significance of this alteration remains unclear.